The following is an entry in ClinVar:

ClinVar aggregate classification (germline): Uncertain significance (1 of 4 stars; one submission).

Conditions:
Familial temporal lobe epilepsy 7. Identifiers: Orphanet 101046, MedGen C4225327, MONDO:0014639, OMIM 616436.
Norman-Roberts syndrome (LIS2). Also called: Lissencephaly 2 (Norman-Roberts type). Identifiers: Orphanet 89844, MedGen C0796089, MONDO:0009760, OMIM 257320.

Submission:

Labcorp Genetics (formerly Invitae), Labcorp
Classification: Uncertain significance for Familial temporal lobe epilepsy 7; Norman-Roberts syndrome. Last evaluated: 2024-03-10. Review status: criteria provided, single submitter. Criteria: Invitae Variant Classification Sherloc (09022015). Collection method: clinical testing. Allele origin: germline.
Comment: This sequence change replaces histidine, which is basic and polar, with aspartic acid, which is acidic and polar, at codon 896 of the RELN protein (p.His896Asp). This variant is not present in population databases (gnomAD no frequency). This variant has not been reported in the literature in individuals affected with RELN-related conditions. Advanced modeling of protein sequence and biophysical properties (such as structural, functional, and spatial information, amino acid conservation, physicochemical variation, residue mobility, and thermodynamic stability) performed at Invitae indicates that this missense variant is not expected to disrupt RELN protein function with a negative predictive value of 80%. In summary, the available evidence is currently insufficient to determine the role of this variant in disease. Therefore, it has been classified as a Variant of Uncertain Significance.

NM_005045.4(RELN):c.2686C>G (p.His896Asp)

Gene: RELN (reelin; minus strand). Cytogenetic location: 7q22.1.
Variant type: single nucleotide variant.
Coding change: c.2686C>G on transcript NM_005045.4 (MANE Select); coding-DNA position 2686, C replaced by G.
Protein change: p.His896Asp; replaces histidine 896 with aspartic acid.
Molecular consequence: missense variant.
Genome position (GRCh38, 1-based): chr7:103,629,956, G>C on the plus strand (C>G on the coding strand, the complement: RELN is on the minus strand). VCF-style: chr7-103629956-G-C. GRCh37 (hg19) VCF-style: chr7-103270403-G-C.
Other names: c.2686C>G, p.His896Asp (NM_173054.3); short protein forms H896D.
Identifiers: ClinVar variation 3755218 (VCV003755218.2).